The following is an entry in ClinVar:

NM_001080437.3(SNED1):c.1947C>T (p.Phe649=)

Genes: MTERF4 (mitochondrial transcription termination factor 4; minus strand), SNED1 (sushi, nidogen and EGF like domains 1; plus strand), SNED1-AS1 (SNED1 antisense RNA 1; minus strand). Cytogenetic location: 2q37.3.
Variant type: single nucleotide variant.
Coding change: c.1947C>T on transcript NM_001080437.3 (MANE Select); coding-DNA position 1947, C replaced by T.
Protein change: p.Phe649=; no amino-acid change (phenylalanine 649 retained).
Molecular consequence: synonymous variant.
Genome position (GRCh38, 1-based): chr2:241,052,135, C>T. VCF-style: chr2-241052135-C-T. GRCh37 (hg19) VCF-style: chr2-241991552-C-T.
Identifiers: ClinVar variation 2652105 (VCV002652105.24), dbSNP rs764875343, ClinGen allele CA2211221.

ClinVar aggregate classification (germline): Likely benign (1 of 4 stars; one submission).

Allele frequency attached by ClinVar (database versions not stated): gnomAD 0.00001; ExAC 0.00002; TOPMed 0.00002; gnomAD exomes 0.00004.
gnomAD v4.1: 64 of 1,613,706 alleles (0.004%); highest among the groups gnomAD compares: Middle Eastern, 0.049%; no homozygotes.

Submission:

CeGaT Center for Human Genetics Tuebingen
Classification: Likely benign. Last evaluated: 2023-02-01. Review status: criteria provided, single submitter. Criteria: CeGaT Center For Human Genetics Tuebingen Variant Classification Criteria Version 2. Collection method: clinical testing. Allele origin: germline. Affected: yes. Observed: 1 variant allele.
Comment: SNED1: BP4, BP7